The following is an entry in ClinVar:

ClinVar aggregate classification (germline): Likely pathogenic (1 of 4 stars; one submission).

Conditions:
Anauxetic dysplasia. Identifiers: Orphanet 93347, MedGen C1846796, MONDO:0011773.

Submission:

Labcorp Genetics (formerly Invitae), Labcorp
Classification: Likely pathogenic for Anauxetic dysplasia. Last evaluated: 2020-10-31. Review status: criteria provided, single submitter. Criteria: Invitae Variant Classification Sherloc (09022015). Collection method: clinical testing. Allele origin: germline.
Comment: This variant occurs in the RMRP gene, which encodes an RNA molecule that does not result in a protein product. The frequency data for this variant in the population databases is considered unreliable, as metrics indicate insufficient coverage at this position in the ExAC database. While this particular variant has not been reported in the literature, it is located in the promoter region between the TATA box and the transcription initiation site, and other insertions and duplications immediately upstream of the coding sequence have been reported in individuals affected with cartilage-hair hypoplasia-anauxetic dysplasia (CHH-AD) spectrum disorders (PMID: 16244706, 11207361, 12107819). While functional studies for this variant have not been reported, experimental analyses using patient derived cells, as well as in vitro transfection studies, have shown that promoter insertions result in silencing of RMRP transcription and reduced expression of the gene product (PMID: 11207361, 16254002). In summary, the currently available evidence indicates that the variant is pathogenic, but additional data are needed to prove that conclusively. Therefore, this variant has been classified as Likely Pathogenic.

Literature cited by the submitters: PubMed 16244706; PubMed 11207361; PubMed 12107819; PubMed 16254002.

NC_000009.12:g.35658031TCACAGAGTA[3]

Gene: RMRP (RNA component of mitochondrial RNA processing endoribonuclease; minus strand). Cytogenetic location: 9p13.3.
Variant type: Microsatellite.
Genome position: GRCh38 VCF-style: chr9-35658030-T-TTCACAGAGTATCACAGAGTA. GRCh37 (hg19) VCF-style: chr9-35658027-T-TTCACAGAGTATCACAGAGTA.
Identifiers: ClinVar variation 1350132 (VCV001350132.8), dbSNP rs1554651507, ClinGen allele CA2580616189.